The following is an entry in ClinVar:

ClinVar aggregate classification (germline): Uncertain significance (1 of 4 stars; one submission).

Conditions:
Mucopolysaccharidosis, MPS-III-D (MPS3D). Also called: N-ACETYLGLUCOSAMINE-6-SULFATASE DEFICIENCY; SANFILIPPO SYNDROME D; MPS III D; Mucopoly-saccharidosis type 3D; N-acetylglucosamine-6-sulfate sulfatase deficiency; MPS 3D. Identifiers: Orphanet 581, Orphanet 79272, MedGen C0086650, MONDO:0009658, OMIM 252940.

Allele frequency attached by ClinVar (database versions not stated): ESP Exome Variant Server 0.00008; TOPMed below 0.00001.

Submission:

Labcorp Genetics (formerly Invitae), Labcorp
Classification: Uncertain significance for Mucopolysaccharidosis, MPS-III-D. Last evaluated: 2022-01-18. Review status: criteria provided, single submitter. Criteria: Invitae Variant Classification Sherloc (09022015). Collection method: clinical testing. Allele origin: germline.
Comment: This sequence change replaces serine, which is neutral and polar, with phenylalanine, which is neutral and non-polar, at codon 512 of the GNS protein (p.Ser512Phe). This variant is not present in population databases (gnomAD no frequency). This variant has not been reported in the literature in individuals affected with GNS-related conditions. Algorithms developed to predict the effect of missense changes on protein structure and function are either unavailable or do not agree on the potential impact of this missense change (SIFT: "Deleterious"; PolyPhen-2: "Benign"; Align-GVGD: "Class C15"). In summary, the available evidence is currently insufficient to determine the role of this variant in disease. Therefore, it has been classified as a Variant of Uncertain Significance.

NM_002076.4(GNS):c.1535C>T (p.Ser512Phe)

Gene: GNS (glucosamine (N-acetyl)-6-sulfatase; minus strand). Cytogenetic location: 12q14.3.
Variant type: single nucleotide variant.
Coding change: c.1535C>T on transcript NM_002076.4 (MANE Select); coding-DNA position 1535, C replaced by T.
Protein change: p.Ser512Phe; replaces serine 512 with phenylalanine.
Molecular consequence: missense variant.
Genome position (GRCh38, 1-based): chr12:64,720,067, G>A on the plus strand (C>T on the coding strand, the complement: GNS is on the minus strand). VCF-style: chr12-64720067-G-A. GRCh37 (hg19) VCF-style: chr12-65113847-G-A.
Other names: short protein forms S512F.
Identifiers: ClinVar variation 2133037 (VCV002133037.1), dbSNP rs372487118, ClinGen allele CA238271774.